The following is an entry in ClinVar:

ClinVar aggregate classification (germline): Uncertain significance (1 of 4 stars; one submission).

Conditions:
Maple syrup urine disease (MSUD). Identifiers: Orphanet 511, MedGen C0024776, MeSH D008375, MONDO:0009563. Disease mechanism: loss of function.

gnomAD v4.1: 60 of 1,613,904 alleles (0.0037%); highest among the groups gnomAD compares: Non-Finnish European, 0.0048%; no homozygotes.

Submission:

Labcorp Genetics (formerly Invitae), Labcorp
Classification: Uncertain significance for Maple syrup urine disease. Last evaluated: 2025-03-04. Review status: criteria provided, single submitter. Criteria: Invitae Variant Classification Sherloc (09022015). Collection method: clinical testing. Allele origin: germline.
Comment: This sequence change replaces isoleucine, which is neutral and non-polar, with threonine, which is neutral and polar, at codon 200 of the DBT protein (p.Ile200Thr). This variant is present in population databases (rs200818416, gnomAD 0.004%). This variant has not been reported in the literature in individuals affected with DBT-related conditions. Invitae Evidence Modeling of protein sequence and biophysical properties (such as structural, functional, and spatial information, amino acid conservation, physicochemical variation, residue mobility, and thermodynamic stability) indicates that this missense variant is expected to disrupt DBT protein function with a positive predictive value of 80%. In summary, the available evidence is currently insufficient to determine the role of this variant in disease. Therefore, it has been classified as a Variant of Uncertain Significance.

NM_001918.5(DBT):c.599T>C (p.Ile200Thr)

Gene: DBT (dihydrolipoamide branched chain transacylase E2; minus strand). Cytogenetic location: 1p21.2.
Variant type: single nucleotide variant.
Coding change: c.599T>C on transcript NM_001918.5 (MANE Select); coding-DNA position 599, T replaced by C.
Protein change: p.Ile200Thr; replaces isoleucine 200 with threonine.
Molecular consequence: missense variant. On other transcripts: non-coding transcript variant (3).
Genome position (GRCh38, 1-based): chr1:100,216,156, A>G on the plus strand (T>C on the coding strand, the complement: DBT is on the minus strand). VCF-style: chr1-100216156-A-G. GRCh37 (hg19) VCF-style: chr1-100681712-A-G.
Other names: c.56T>C, p.Ile19Thr (NM_001399969.1, NM_001399972.1); short protein forms I19T, I200T.
Identifiers: ClinVar variation 4798064 (VCV004798064.1).